The following is an entry in ClinVar:

NM_030973.4(MED25):c.1501C>T (p.Pro501Ser)

Gene: MED25 (mediator complex subunit 25; plus strand). Cytogenetic location: 19q13.33.
Variant type: single nucleotide variant.
Coding change: c.1501C>T on transcript NM_030973.4 (MANE Select); coding-DNA position 1501, C replaced by T.
Protein change: p.Pro501Ser; replaces proline 501 with serine.
Molecular consequence: missense variant.
Genome position (GRCh38, 1-based): chr19:49,835,004, C>T. VCF-style: chr19-49835004-C-T. GRCh37 (hg19) VCF-style: chr19-50338261-C-T.
Other names: c.1501C>T, p.Pro501Ser (NM_001378355.1); short protein forms P501S.
Identifiers: ClinVar variation 1503697 (VCV001503697.8), dbSNP rs2074084894, ClinGen allele CA406917836.

ClinVar aggregate classification (germline): Uncertain significance (1 of 4 stars; one submission).

Conditions:
Charcot-Marie-Tooth disease type 2. Also called: Charcot-Marie-Tooth type 2. Identifiers: Orphanet 64746, MedGen C0270914, MONDO:0018993.

Allele frequency attached by ClinVar (database versions not stated): gnomAD exomes below 0.00001; TOPMed below 0.00001.
gnomAD v4.1: 3 of 1,614,114 alleles (0.00019%); highest among the groups gnomAD compares: Non-Finnish European, 0.00025%; no homozygotes.

Submission:

Labcorp Genetics (formerly Invitae), Labcorp
Classification: Uncertain significance for Charcot-Marie-Tooth disease type 2. Last evaluated: 2025-02-17. Review status: criteria provided, single submitter. Criteria: Invitae Variant Classification Sherloc (09022015). Collection method: clinical testing. Allele origin: germline.
Comment: This sequence change replaces proline, which is neutral and non-polar, with serine, which is neutral and polar, at codon 501 of the MED25 protein (p.Pro501Ser). This variant is not present in population databases (gnomAD no frequency). This variant has not been reported in the literature in individuals affected with MED25-related conditions. ClinVar contains an entry for this variant (Variation ID: 1503697). An algorithm developed to predict the effect of missense changes on protein structure and function (PolyPhen-2) suggests that this variant is likely to be tolerated. In summary, the available evidence is currently insufficient to determine the role of this variant in disease. Therefore, it has been classified as a Variant of Uncertain Significance.